The following is an entry in ClinVar:

ClinVar aggregate classification (germline): Uncertain significance. Review status: criteria provided, multiple submitters, no conflicts (2 of 4 stars). 2 submissions from 2 submitters: Uncertain significance (2). Last evaluated 2024-10-10.

Conditions:
Shprintzen-Goldberg syndrome (SGS). Also called: Marfanoid disorder with craniosynostosis type 1; Marfanoid craniosynostosis syndrome; Shprintzen-Goldberg marfanoid syndrome; SHPRINTZEN-GOLDBERG CRANIOSYNOSTOSIS SYNDROME; CRANIOSYNOSTOSIS WITH ARACHNODACTYLY AND ABDOMINAL HERNIAS. Identifiers: Orphanet 2462, MedGen C1321551, MONDO:0008426, OMIM 182212.

Allele frequency attached by ClinVar (database versions not stated): gnomAD 0.00001; gnomAD exomes 0.00001; TOPMed 0.00001.
gnomAD v4.1: 14 of 1,613,492 alleles (0.00087%); highest among the groups gnomAD compares: African/African-American, 0.0053%; no homozygotes.

Submissions (2):

Labcorp Genetics (formerly Invitae), Labcorp
Classification: Uncertain significance for Shprintzen-Goldberg syndrome. Last evaluated: 2024-10-10. Review status: criteria provided, single submitter. Criteria: Invitae Variant Classification Sherloc (09022015). Collection method: clinical testing. Allele origin: germline.
Comment: This sequence change replaces threonine, which is neutral and polar, with alanine, which is neutral and non-polar, at codon 336 of the SKI protein (p.Thr336Ala). This variant is not present in population databases (gnomAD no frequency). This variant has not been reported in the literature in individuals affected with SKI-related conditions. ClinVar contains an entry for this variant (Variation ID: 1028067). Invitae Evidence Modeling of protein sequence and biophysical properties (such as structural, functional, and spatial information, amino acid conservation, physicochemical variation, residue mobility, and thermodynamic stability) indicates that this missense variant is not expected to disrupt SKI protein function with a negative predictive value of 95%. In summary, the available evidence is currently insufficient to determine the role of this variant in disease. Therefore, it has been classified as a Variant of Uncertain Significance.

Baylor Genetics
Classification: Uncertain significance for Shprintzen-Goldberg syndrome. Last evaluated: 2019-09-06. Review status: criteria provided, single submitter. Criteria: ACMG Guidelines, 2015. Collection method: clinical testing. Allele origin: unknown. Affected: yes.
Comment: This variant was determined to be of uncertain significance according to ACMG Guidelines, 2015 [PMID:25741868].

NM_003036.4(SKI):c.1006A>G (p.Thr336Ala)

Gene: SKI (SKI proto-oncogene; plus strand). Cytogenetic location: 1p36.32.
Variant type: single nucleotide variant.
Coding change: c.1006A>G on transcript NM_003036.4 (MANE Select); coding-DNA position 1006, A replaced by G.
Protein change: p.Thr336Ala; replaces threonine 336 with alanine.
Molecular consequence: missense variant.
Genome position (GRCh38, 1-based): chr1:2,303,014, A>G. VCF-style: chr1-2303014-A-G. GRCh37 (hg19) VCF-style: chr1-2234453-A-G.
Other names: short protein forms T336A.
Identifiers: ClinVar variation 1028067 (VCV001028067.3), dbSNP rs1347876005, ClinGen allele CA337953944.